The following is an entry in ClinVar:

NM_004183.4(BEST1):c.427G>T (p.Val143Phe)

Gene: BEST1 (bestrophin 1; plus strand). Cytogenetic location: 11q12.3.
Variant type: single nucleotide variant.
Coding change: c.427G>T on transcript NM_004183.4 (MANE Select); coding-DNA position 427, G replaced by T.
Protein change: p.Val143Phe; replaces valine 143 with phenylalanine.
Molecular consequence: missense variant. On other transcripts: non-coding transcript variant (1).
Genome position (GRCh38, 1-based): chr11:61,955,897, G>T. VCF-style: chr11-61955897-G-T. GRCh37 (hg19) VCF-style: chr11-61723369-G-T.
Other names: c.247G>T, p.Val83Phe (NM_001139443.3, NM_001300786.2, NM_001300787.2); c.109G>T, p.Val37Phe (NM_001363591.3); c.427G>T, p.Val143Phe (NM_001363592.2); c.-749G>T (NM_001363593.3); short protein forms V83F, V37F, V143F.
Identifiers: ClinVar variation 1452856 (VCV001452856.7), dbSNP rs1378679988, ClinGen allele CA380835245.
Genomic context (GRCh38, chr11:61,955,897, plus strand): 5'-CTGCTGCGGCGCACGCTCATCCGCTACGCCAACCTGGGCAACGTGCTCATCCTGCGCAGC[G>T]TCAGCACCGCAGTCTACAAGCGCTTCCCCAGCGCCCAGCACCTGGTGCAAGCAGGTGGGC-3'
Protein context (NP_004174.1, residues 133-153): NLGNVLILRS[Val143Phe]STAVYKRFPS

ClinVar aggregate classification (germline): Pathogenic. Review status: criteria provided, multiple submitters, no conflicts (2 of 4 stars). 2 submissions from 2 submitters: Pathogenic (2). Last evaluated 2025-12-20.

Conditions:
BEST1-related disorder. Also called: BEST1-related disorders; BEST1-related condition. Identifiers: MedGen CN239200.

Submissions (2):

Labcorp Genetics (formerly Invitae), Labcorp
Classification: Pathogenic. Last evaluated: 2025-12-20. Review status: criteria provided, single submitter. Criteria: Invitae Variant Classification Sherloc (09022015). Collection method: clinical testing. Allele origin: germline.
Comment: This sequence change replaces valine, which is neutral and non-polar, with phenylalanine, which is neutral and non-polar, at codon 143 of the BEST1 protein (p.Val143Phe). This variant is not present in population databases (gnomAD no frequency). This missense change has been observed in individuals with autosomal dominant Best vitelliform macular dystrophy (PMID: 21273940, 30498755). ClinVar contains an entry for this variant (Variation ID: 1452856). Invitae Evidence Modeling of protein sequence and biophysical properties (such as structural, functional, and spatial information, amino acid conservation, physicochemical variation, residue mobility, and thermodynamic stability) indicates that this missense variant is expected to disrupt BEST1 protein function with a positive predictive value of 95%. Experimental studies have shown that this missense change affects BEST1 function (PMID: 32507900). For these reasons, this variant has been classified as Pathogenic.

Blueprint Genetics
Classification: Pathogenic for BEST1-related disorders. Last evaluated: 2023-07-04. Review status: criteria provided, single submitter. Criteria: ACMG Guidelines, 2015. Collection method: clinical testing. Allele origin: germline. Affected: yes. Observed: 1 variant allele.

Literature cited by the submitters: PubMed 21273940 (cited by Labcorp Genetics (formerly Invitae), Labcorp); PubMed 30498755 (cited by Labcorp Genetics (formerly Invitae), Labcorp); PubMed 32507900 (cited by Labcorp Genetics (formerly Invitae), Labcorp).